The following is an entry in ClinVar:

NM_001099922.3(ALG13):c.1006-14G>A

Gene: ALG13 (ALG13 UDP-N-acetylglucosaminyltransferase subunit; plus strand). Cytogenetic location: Xq23.
Variant type: single nucleotide variant.
Coding change: c.1006-14G>A on transcript NM_001099922.3 (MANE Select); 14 bases into the intron before coding-DNA position 1006, G replaced by A.
Molecular consequence: intron variant.
Genome position (GRCh38, 1-based): chrX:111,717,832, G>A. VCF-style: chrX-111717832-G-A. GRCh37 (hg19) VCF-style: chrX-110961060-G-A.
Other names: c.694-14G>A (NM_001257237.2, NM_001324293.1, NM_001257234.2 and 1 more transcripts); c.772-14G>A (NM_001257231.2); c.1006-14G>A (NM_001324292.2).
Identifiers: ClinVar variation 384889 (VCV000384889.11), dbSNP rs760527824, ClinGen allele CA10493649.

ClinVar aggregate classification (germline): Benign/Likely benign. Review status: criteria provided, multiple submitters, no conflicts (2 of 4 stars). 4 submissions from 4 submitters: Benign (2); Likely benign (2). Last evaluated 2026-01-13.

Conditions:
Developmental and epileptic encephalopathy, 36 (DEE36). Also called: ALG13-CDG; Congenital disorder of glycosylation, type Is; Epileptic encephalopathy, early infantile, 36. Identifiers: Orphanet 324422, MedGen C4317295, MONDO:0010472, OMIM 300884.

Allele frequency attached by ClinVar (database versions not stated): gnomAD exomes 0.00032 and 0.00040; ExAC 0.00034; gnomAD 0.00044 and 0.00045; TOPMed 0.00054.
gnomAD v4.1: 451 of 1,128,763 alleles (0.04%); highest among the groups gnomAD compares: Admixed American, 0.076%; no homozygotes.

Submissions (4):

Labcorp Genetics (formerly Invitae), Labcorp
Classification: Benign for Developmental and epileptic encephalopathy, 36. Last evaluated: 2026-01-13. Review status: criteria provided, single submitter. Criteria: Invitae Variant Classification Sherloc (09022015). Collection method: clinical testing. Allele origin: germline.

Blueprint Genetics
Classification: Likely benign. Last evaluated: 2024-09-25. Review status: criteria provided, single submitter. Criteria: ACMG Guidelines, 2015. Collection method: clinical testing. Allele origin: germline.

Genome-Nilou Lab
Classification: Benign for Developmental and epileptic encephalopathy, 36. Last evaluated: 2021-12-05. Review status: criteria provided, single submitter. Criteria: ACMG Guidelines, 2015. Collection method: clinical testing. Allele origin: germline. Affected: no.

GeneDx
Classification: Likely benign. Last evaluated: 2017-11-28. Review status: criteria provided, single submitter. Criteria: GeneDx Variant Classification (06012015). Collection method: clinical testing. Allele origin: germline. Affected: yes.
Comment: This variant is considered likely benign or benign based on one or more of the following criteria: it is a conservative change, it occurs at a poorly conserved position in the protein, it is predicted to be benign by multiple in silico algorithms, and/or has population frequency not consistent with disease.